The following is an entry in ClinVar:

NM_015311.3(OBSL1):c.302T>A (p.Val101Glu)

Gene: OBSL1 (obscurin like cytoskeletal adaptor 1; minus strand). Cytogenetic location: 2q35.
Variant type: single nucleotide variant.
Coding change: c.302T>A on transcript NM_015311.3 (MANE Select); coding-DNA position 302, T replaced by A.
Protein change: p.Val101Glu; replaces valine 101 with glutamic acid.
Molecular consequence: missense variant.
Genome position (GRCh38, 1-based): chr2:219,570,931, A>T on the plus strand (T>A on the coding strand, the complement: OBSL1 is on the minus strand). VCF-style: chr2-219570931-A-T. GRCh37 (hg19) VCF-style: chr2-220435653-A-T.
Other names: c.302T>A, p.Val101Glu (NM_001173408.2, NM_001173431.2); short protein forms V101E.
Identifiers: ClinVar variation 1361539 (VCV001361539.8), dbSNP rs2106118426, ClinGen allele CA350765886.

ClinVar aggregate classification (germline): Uncertain significance (1 of 4 stars; one submission).

Submission:

Labcorp Genetics (formerly Invitae), Labcorp
Classification: Uncertain significance. Last evaluated: 2024-02-24. Review status: criteria provided, single submitter. Criteria: Invitae Variant Classification Sherloc (09022015). Collection method: clinical testing. Allele origin: germline.
Comment: This sequence change replaces valine, which is neutral and non-polar, with glutamic acid, which is acidic and polar, at codon 101 of the OBSL1 protein (p.Val101Glu). This variant is not present in population databases (gnomAD no frequency). This variant has not been reported in the literature in individuals affected with OBSL1-related conditions. ClinVar contains an entry for this variant (Variation ID: 1361539). An algorithm developed to predict the effect of missense changes on protein structure and function (PolyPhen-2) suggests that this variant is likely to be tolerated. In summary, the available evidence is currently insufficient to determine the role of this variant in disease. Therefore, it has been classified as a Variant of Uncertain Significance.